The following is an entry in ClinVar:

ClinVar aggregate classification (germline): Uncertain significance (1 of 4 stars; one submission).

Conditions:
Leigh syndrome (NULS). Also called: Leigh's necrotizing encephalopathy; Leigh's disease; Leigh Syndrome (mtDNA deletion); Leigh Disease; Subacute necrotizing encephalopathy; Necrotizing encephalopathy infantile subacute of Leigh. Identifiers: Orphanet 506, MedGen C2931891, MONDO:0009723, OMIM 256000.

Submission:

Wong Mito Lab, Molecular and Human Genetics, Baylor College of Medicine
Classification: Uncertain significance for Leigh syndrome. Last evaluated: 2019-10-17. Review status: criteria provided, single submitter. Criteria: Modified ACMG Guidelines (Unpublished). Collection method: clinical testing. Allele origin: germline.
Comment: The NC_012920.1:m.13478C>T (YP_003024036.1:p.Ala381Val) variant in MTND5 gene is interpretated to be a Uncertain Significance variant based on the modified ACMG guidelines (unpublished). This variant meets the following evidence codes: BP4

NC_012920.1(MT-ND5):m.13478C>T

Gene: MT-ND5 (mitochondrially encoded NADH dehydrogenase 5; plus strand).
Variant type: single nucleotide variant.
Genome position: chrM-13478-C-T.
Identifiers: ClinVar variation 693562 (VCV000693562.1), dbSNP rs1603224203, ClinGen allele CA414818168.